The following is an entry in ClinVar:

ClinVar aggregate classification (germline): Uncertain significance (1 of 4 stars; one submission).

Submission:

GeneDx
Classification: Uncertain significance. Last evaluated: 2025-05-22. Review status: criteria provided, single submitter. Criteria: GeneDx Variant Classification Process June 2021. Collection method: clinical testing. Allele origin: germline. Affected: yes.
Comment: Not observed at significant frequency in large population cohorts (gnomAD); In silico analysis supports that this missense variant has a deleterious effect on protein structure/function; Has not been previously published as pathogenic or benign to our knowledge

NM_198503.5(KCNT2):c.1468T>C (p.Tyr490His)

Gene: KCNT2 (potassium sodium-activated channel subfamily T member 2; minus strand). Cytogenetic location: 1q31.3.
Variant type: single nucleotide variant.
Coding change: c.1468T>C on transcript NM_198503.5 (MANE Select); coding-DNA position 1468, T replaced by C.
Protein change: p.Tyr490His; replaces tyrosine 490 with histidine.
Molecular consequence: missense variant. On other transcripts: non-coding transcript variant (2), intron variant (1).
Genome position (GRCh38, 1-based): chr1:196,342,164, A>G on the plus strand (T>C on the coding strand, the complement: KCNT2 is on the minus strand). VCF-style: chr1-196342164-A-G. GRCh37 (hg19) VCF-style: chr1-196311294-A-G.
Other names: c.1468T>C, p.Tyr490His (NM_001287819.3); c.1404-1594T>C (NM_001287820.3); short protein forms Y490H.
Identifiers: ClinVar variation 4531007 (VCV004531007.1).